The following is an entry in ClinVar:

ClinVar aggregate classification (germline): Benign/Likely benign. Review status: criteria provided, multiple submitters, no conflicts (2 of 4 stars). 3 submissions from 3 submitters: Benign (2); Likely benign (1). Last evaluated 2024-07-20.

Conditions:
Familial thoracic aortic aneurysm and aortic dissection (TAAD). Also called: Thoracic aortic aneurysms and dissections. Identifiers: Orphanet 91387, MedGen C4707243, MONDO:0019625.
Ehlers-Danlos syndrome, type 4 (EDSVASC). Also called: Ehlers-Danlos Syndrome Type IV; Ehlers-Danlos syndrome vascular type; Ehlers Danlos syndrome, ecchymotic type; Ehlers Danlos syndrome, arterial type; Ehlers Danlos syndrome, Sack-Barabas type. Identifiers: Orphanet 286, MedGen C0268338, MONDO:0017314, OMIM 130050.

Allele frequency attached by ClinVar (database versions not stated): gnomAD 0.00001 and 0.00003; TOPMed 0.00001; ExAC 0.00003; gnomAD exomes 0.00004; 1000 Genomes Project 30x 0.00031; 1000 Genomes Project 0.00040.
gnomAD v4.1: 13 of 1,611,920 alleles (0.00081%); highest among the groups gnomAD compares: East Asian, 0.029%; no homozygotes.

Submissions (3):

All of Us Research Program, National Institutes of Health
Classification: Benign for Ehlers-Danlos syndrome, type 4. Last evaluated: 2024-07-20. Review status: criteria provided, single submitter. Criteria: ACMG Guidelines, 2015. Collection method: clinical testing. Allele origin: germline. Inheritance: Autosomal dominant inheritance. Observed: 1 variant allele, 1 heterozygote.
Comment: This study involves interpretation of variants in research participants for the purpose of population health screening. Participant phenotype was not available at the time of variant classification. Additional details can be found in publication PMID: 35346344, PMCID: PMC8962531

Labcorp Genetics (formerly Invitae), Labcorp
Classification: Likely benign for Ehlers-Danlos syndrome, type 4. Last evaluated: 2023-09-17. Review status: criteria provided, single submitter. Criteria: Invitae Variant Classification Sherloc (09022015). Collection method: clinical testing. Allele origin: germline.

Color Diagnostics, LLC DBA Color Health
Classification: Benign for Familial thoracic aortic aneurysm and aortic dissection. Last evaluated: 2019-11-15. Review status: criteria provided, single submitter. Criteria: ACMG Guidelines, 2015. Collection method: clinical testing. Allele origin: germline.

NM_000090.4(COL3A1):c.1870-14T>C

Gene: COL3A1 (collagen type III alpha 1 chain; plus strand). Cytogenetic location: 2q32.2.
Variant type: single nucleotide variant.
Coding change: c.1870-14T>C on transcript NM_000090.4 (MANE Select); 14 bases into the intron before coding-DNA position 1870, T replaced by C.
Molecular consequence: intron variant.
Genome position (GRCh38, 1-based): chr2:188,997,686, T>C. VCF-style: chr2-188997686-T-C. GRCh37 (hg19) VCF-style: chr2-189862412-T-C.
Identifiers: ClinVar variation 921697 (VCV000921697.6), dbSNP rs201315795, ClinGen allele CA074777.
Genomic context (GRCh38, chr2:188,997,686, plus strand): 5'-GCCTGTTGAAATGGATACTGTAGACTAAATATAAAAGGATGTTTACAACAGAGTGTATCA[T>C]TATACTTTTCTAGGGGCCTGGTGGTGACAAAGGAGACACAGGACCCCCTGGTCCACAAGG-3'